The following is an entry in ClinVar:

ClinVar aggregate classification (germline): Likely benign (1 of 4 stars; one submission).

Submission:

CeGaT Center for Human Genetics Tuebingen
Classification: Likely benign. Last evaluated: 2026-10-01. Review status: criteria provided, single submitter. Criteria: CeGaT Center For Human Genetics Tuebingen Variant Classification Criteria Version 2. Collection method: clinical testing. Allele origin: germline. Affected: yes. Observed: 4 variant alleles.
Comment: SETD5: PM2:Supporting, BP4, BP7

NM_001080517.3(SETD5):c.3873A>G (p.Glu1291=)

Gene: SETD5 (SET domain containing 5; plus strand). Cytogenetic location: 3p25.3.
Variant type: single nucleotide variant.
Coding change: c.3873A>G on transcript NM_001080517.3 (MANE Select); coding-DNA position 3873, A replaced by G.
Protein change: p.Glu1291=; no amino-acid change (glutamic acid 1291 retained).
Molecular consequence: synonymous variant.
Genome position (GRCh38, 1-based): chr3:9,475,635, A>G. VCF-style: chr3-9475635-A-G. GRCh37 (hg19) VCF-style: chr3-9517319-A-G.
Other names: c.3930A>G, p.Glu1310= (NM_001437643.1); c.3912A>G, p.Glu1304= (NM_001437701.1); c.3579A>G, p.Glu1193= (NM_001292043.2, NM_001349451.2); c.3969A>G, p.Glu1323= (NM_001437633.1); c.3987A>G, p.Glu1329= (NM_001437635.1).
Identifiers: ClinVar variation 4822697 (VCV004822697.4).